The following is an entry in ClinVar:

NM_004523.4(KIF11):c.2922G>T (p.Pro974=)

Gene: KIF11 (kinesin family member 11; plus strand). Cytogenetic location: 10q23.33.
Variant type: single nucleotide variant.
Coding change: c.2922G>T on transcript NM_004523.4 (MANE Select); coding-DNA position 2922, G replaced by T.
Protein change: p.Pro974=; no amino-acid change (proline 974 retained).
Molecular consequence: synonymous variant.
Genome position (GRCh38, 1-based): chr10:92,649,986, G>T. VCF-style: chr10-92649986-G-T. GRCh37 (hg19) VCF-style: chr10-94409743-G-T.
Identifiers: ClinVar variation 1064447 (VCV001064447.4), dbSNP rs1554863201, ClinGen allele CA470943163.
Genomic context (GRCh38, chr10:92,649,986, plus strand): 5'-ACAGCCTGAGCTGTTAATGATGCTAAACTGTTCAGAAAACAACAAAGAAGAGACAATTCC[G>T]GTAAATTTAAAGGATCATATTTTATAATAGAACTCTTTTATGAACTCTTGATGTGGCTGA-3'
Protein context (NP_004514.2, residues 964-984): CSENNKEETI[Pro974=]DVDVEEAVLG

ClinVar aggregate classification (germline): Pathogenic (1 of 4 stars; one submission).

Conditions:
Microcephaly. Also called: Microcephaly (disease). Identifiers: MedGen C4551563, MONDO:0001149, HP:0000252.

Submission:

Henan Provincial Key Laboratory of Genetic Diseases and Functional Genomics, Henan Provincial People’s Hospital
Classification: Pathogenic for Microcephaly. Last evaluated: 2020-11-25. Review status: criteria provided, single submitter. Criteria: ACMG Guidelines, 2015. Collection method: clinical testing, in vitro. Allele origin: de novo, not applicable. Inheritance: Autosomal dominant inheritance. Affected: yes. Observed: 1 variant allele, 1 heterozygote. Functional consequence: effect on RNA splicing.
Comment: The c.2922G>T variant in KIF11 was a denovo variant, which has not been reported in HGMD and ClinVar database. While the same site variant c.2922G>A has been reported conflicting interpretations in pathogenicity of Microcephaly with or without chorioretinopathy, lymphedema, or mental retardation, the functional mechanism study was absence. In our study, we found this variant in a Children with microcephaly through Whole exonsequencing. Then we applied the minigene experiment to fristly identify that this variant result in the wrong splicing site of exon20 derived pre-mRNA, thus leading to the deletion of the whole or part of exon20 mRNA.